The following is an entry in ClinVar:

ClinVar aggregate classification (germline): Uncertain significance (1 of 4 stars; one submission).

gnomAD v4.1: 2 of 1,612,040 alleles (0.00012%); highest among the groups gnomAD compares: African/African-American, 0.0013%; no homozygotes.

Submission:

Labcorp Genetics (formerly Invitae), Labcorp
Classification: Uncertain significance. Last evaluated: 2023-07-18. Review status: criteria provided, single submitter. Criteria: Invitae Variant Classification Sherloc (09022015). Collection method: clinical testing. Allele origin: germline.
Comment: This sequence change replaces glycine, which is neutral and non-polar, with glutamic acid, which is acidic and polar, at codon 531 of the COL9A3 protein (p.Gly531Glu). This variant is not present in population databases (gnomAD no frequency). This variant has not been reported in the literature in individuals affected with COL9A3-related conditions. Advanced modeling of protein sequence and biophysical properties (such as structural, functional, and spatial information, amino acid conservation, physicochemical variation, residue mobility, and thermodynamic stability) performed at Invitae indicates that this missense variant is not expected to disrupt COL9A3 protein function. In summary, the available evidence is currently insufficient to determine the role of this variant in disease. Therefore, it has been classified as a Variant of Uncertain Significance.

NM_001853.4(COL9A3):c.1592G>A (p.Gly531Glu)

Genes: COL9A3 (collagen type IX alpha 3 chain; plus strand), LOC126863084 (MED14-independent group 3 enhancer GRCh37_chr20:61467141-61468340; plus strand). Cytogenetic location: 20q13.33.
Variant type: single nucleotide variant.
Coding change: c.1592G>A on transcript NM_001853.4 (MANE Select); coding-DNA position 1592, G replaced by A.
Protein change: p.Gly531Glu; replaces glycine 531 with glutamic acid.
Molecular consequence: missense variant.
Genome position (GRCh38, 1-based): chr20:62,836,521, G>A. VCF-style: chr20-62836521-G-A. GRCh37 (hg19) VCF-style: chr20-61467873-G-A.
Other names: short protein forms G531E.
Identifiers: ClinVar variation 2871124 (VCV002871124.3), dbSNP rs1183951573, ClinGen allele CA409598680.